The following is an entry in ClinVar:

ClinVar aggregate classification (germline): Uncertain significance. Review status: criteria provided, multiple submitters, no conflicts (2 of 4 stars). 2 submissions from 2 submitters: Uncertain significance (2). Last evaluated 2022-08-06.

Conditions:
Inborn genetic diseases. Identifiers: MedGen C0950123, MeSH D030342.

Allele frequency attached by ClinVar (database versions not stated): gnomAD exomes 0.00001 and 0.00002; gnomAD 0.00011 and 0.00013; 1000 Genomes Project 30x 0.00016; 1000 Genomes Project 0.00020; TOPMed 0.00028.
gnomAD v4.1: 37 of 1,601,396 alleles (0.0023%); highest among the groups gnomAD compares: Admixed American, 0.045%; 1 homozygote.

Submissions (2):

Labcorp Genetics (formerly Invitae), Labcorp
Classification: Uncertain significance. Last evaluated: 2022-08-06. Review status: criteria provided, single submitter. Criteria: Invitae Variant Classification Sherloc (09022015). Collection method: clinical testing. Allele origin: germline.
Comment: This sequence change replaces asparagine, which is neutral and polar, with aspartic acid, which is acidic and polar, at codon 950 of the AP3B2 protein (p.Asn950Asp). The frequency data for this variant in the population databases is considered unreliable, as metrics indicate poor data quality at this position in the gnomAD database. This variant has not been reported in the literature in individuals affected with AP3B2-related conditions. ClinVar contains an entry for this variant (Variation ID: 1414360). Algorithms developed to predict the effect of missense changes on protein structure and function (SIFT, PolyPhen-2, Align-GVGD) all suggest that this variant is likely to be tolerated. In summary, the available evidence is currently insufficient to determine the role of this variant in disease. Therefore, it has been classified as a Variant of Uncertain Significance.

Ambry Genetics
Classification: Uncertain significance for Inborn genetic diseases. Last evaluated: 2021-06-11. Review status: criteria provided, single submitter. Criteria: Ambry Variant Classification Scheme 2023. Collection method: clinical testing. Allele origin: germline.

NM_001278512.2(AP3B2):c.2905A>G (p.Asn969Asp)

Genes: AP3B2 (adaptor related protein complex 3 subunit beta 2; minus strand), CPEB1-AS1 (CPEB1 antisense RNA 1; plus strand). Cytogenetic location: 15q25.2.
Variant type: single nucleotide variant.
Coding change: c.2905A>G on transcript NM_001278512.2 (MANE Select); coding-DNA position 2905, A replaced by G.
Protein change: p.Asn969Asp; replaces asparagine 969 with aspartic acid.
Molecular consequence: missense variant.
Genome position (GRCh38, 1-based): chr15:82,662,181, T>C on the plus strand (A>G on the coding strand, the complement: AP3B2 is on the minus strand). VCF-style: chr15-82662181-T-C. GRCh37 (hg19) VCF-style: chr15-83330933-T-C.
Other names: c.2752A>G, p.Asn918Asp (NM_001278511.2); c.37A>G, p.Asn13Asp (NM_001348441.2); c.2848A>G, p.Asn950Asp (NM_004644.5); c.2848A>G (NM_004644.3); short protein forms N13D, N950D, N969D, N918D.
Identifiers: ClinVar variation 1414360 (VCV001414360.4), dbSNP rs527944374, ClinGen allele CA273479462.